The following is an entry in ClinVar:

NM_021096.4(CACNA1I):c.5706G>C (p.Leu1902=)

Gene: CACNA1I (calcium voltage-gated channel subunit alpha1 I; plus strand). Cytogenetic location: 22q13.1.
Variant type: single nucleotide variant.
Coding change: c.5706G>C on transcript NM_021096.4 (MANE Select); coding-DNA position 5706, G replaced by C.
Protein change: p.Leu1902=; no amino-acid change (leucine 1902 retained).
Molecular consequence: synonymous variant.
Genome position (GRCh38, 1-based): chr22:39,682,537, G>C. VCF-style: chr22-39682537-G-C. GRCh37 (hg19) VCF-style: chr22-40078542-G-C.
Other names: c.5601G>C, p.Leu1867= (NM_001003406.2).
Identifiers: ClinVar variation 727171 (VCV000727171.5), dbSNP rs60827626, ClinGen allele CA10245087.
Genomic context (GRCh38, chr22:39,682,537, plus strand): 5'-TACCTCCCTTTCCTTGCAGGGTGAGCTGGACCCACCTGAGCCCATGCGTGTGGGAGACCT[G>C]GGCGAATGCTTCTTCCCCTTGTCCTCTACGGCCGTCTCGCCGGATCCAGAGAACTTCCTG-3'
Protein context (NP_066919.2, residues 1892-1912): DPPEPMRVGD[Leu1902=]GECFFPLSST

ClinVar aggregate classification (germline): Likely benign. Review status: criteria provided, single submitter (1 of 4 stars). 2 submissions from 2 submitters: Likely benign (1). 1 of the submissions does not count toward it. Last evaluated 2018-02-20.

Conditions:
CACNA1I-related disorder. Also called: CACNA1I-related condition.

Allele frequency attached by ClinVar (database versions not stated): gnomAD exomes 0.00003 and 0.00006; ExAC 0.00007; ESP Exome Variant Server 0.00008; gnomAD 0.00027 and 0.00030; TOPMed 0.00030; 1000 Genomes Project 30x 0.00031; 1000 Genomes Project 0.00040.
gnomAD v4.1: 91 of 1,613,786 alleles (0.0056%); highest among the groups gnomAD compares: African/African-American, 0.11%; no homozygotes.

Submissions (2):

Labcorp Genetics (formerly Invitae), Labcorp
Classification: Likely benign. Last evaluated: 2018-02-20. Review status: criteria provided, single submitter. Criteria: Invitae Variant Classification Sherloc (09022015). Collection method: clinical testing. Allele origin: germline.

PreventionGenetics, part of Exact Sciences
Classification: Likely benign for CACNA1I-related condition. Last evaluated: 2019-06-27. Review status: no assertion criteria provided. Collection method: clinical testing. Allele origin: germline. Not counted in ClinVar's aggregate classification.
Comment: This variant is classified as likely benign based on ACMG/AMP sequence variant interpretation guidelines (Richards et al. 2015 PMID: 25741868, with internal and published modifications).